The following is an entry in ClinVar:

NM_004431.5(EPHA2):c.1818C>T (p.Thr606=)

Gene: EPHA2 (EPH receptor A2; minus strand). Cytogenetic location: 1p36.13.
Variant type: single nucleotide variant.
Coding change: c.1818C>T on transcript NM_004431.5 (MANE Select); coding-DNA position 1818, C replaced by T.
Protein change: p.Thr606=; no amino-acid change (threonine 606 retained).
Molecular consequence: synonymous variant.
Genome position (GRCh38, 1-based): chr1:16,133,527, G>A on the plus strand (C>T on the coding strand, the complement: EPHA2 is on the minus strand). VCF-style: chr1-16133527-G-A. GRCh37 (hg19) VCF-style: chr1-16460022-G-A.
Other names: c.1656C>T, p.Thr552= (NM_001329090.2).
Identifiers: ClinVar variation 4978951 (VCV004978951.1).
Genomic context (GRCh38, chr1:16,133,527, plus strand): 5'-GGGGCCAACCTCACCTGCTCCGATCACCTTCTGCCGAGTGACACAGGATGGATGGATCTC[G>A]GTAGTGAACTTCAACACAGCCTGGTTGGGGTCCTCATATGTGTGGGGGTCCACGTATGTC-3'
Protein context (NP_004422.2, residues 596-616): DPNQAVLKFT[Thr606=]EIHPSCVTRQ

ClinVar aggregate classification (germline): Likely benign (1 of 4 stars; one submission).

Conditions:
EPHA2-related disorder. Also called: EPHA2-related condition.

gnomAD v4.1: 20 of 1,613,998 alleles (0.0012%); highest among the groups gnomAD compares: African/African-American, 0.0067%; no homozygotes.

Submission:

PreventionGenetics, part of Exact Sciences
Classification: Likely benign for EPHA2-related condition. Last evaluated: 2024-12-12. Review status: criteria provided, single submitter. Criteria: ACMG Guidelines, 2015. Collection method: clinical testing. Allele origin: germline.
Comment: This variant is classified as likely benign based on ACMG/AMP sequence variant interpretation guidelines (Richards et al. 2015 PMID: 25741868, with internal and published modifications).